The following is an entry in ClinVar:

NM_000492.4(CFTR):c.4243-30C>T

Genes: CFTR (CF transmembrane conductance regulator; plus strand), LOC111674477 (CFTR intron 23 enhancer; plus strand). Cytogenetic location: 7q31.2.
Variant type: single nucleotide variant.
Coding change: c.4243-30C>T on transcript NM_000492.4 (MANE Select); 30 bases into the intron before coding-DNA position 4243, C replaced by T.
Molecular consequence: intron variant.
Genome position (GRCh38, 1-based): chr7:117,666,878, C>T. VCF-style: chr7-117666878-C-T. GRCh37 (hg19) VCF-style: chr7-117306932-C-T.
Identifiers: ClinVar variation 3353780 (VCV003353780.2).

ClinVar aggregate classification (germline): Uncertain significance (1 of 4 stars; one submission).

Conditions:
CFTR-related disorder (CFTR-RD). Also called: CFTR-related disorders; CFTR-related condition. Identifiers: MedGen C5924204, MONDO:7770004.

Submission:

PreventionGenetics, part of Exact Sciences
Classification: Uncertain significance for CFTR-related condition. Last evaluated: 2025-10-15. Review status: criteria provided, single submitter. Criteria: ACMG Guidelines, 2015. Collection method: clinical testing. Allele origin: germline.
Comment: The CFTR c.4243-30C>T variant is predicted to interfere with splicing. To our knowledge, this variant has not been reported in the literature. This variant is predicted to alter splicing based on available splicing prediction programs (SpliceAI, Jaganathan et al. 2019. PubMed ID: 30661751). However, the use of computer prediction programs is not equivalent to functional evidence. This variant is reported in 0.010% of alleles in individuals of European (Non-Finnish) descent in gnomAD. An intronic variant nearby designated c.4243-20A>G has been reported in a patient with chronic pancreatitis (Keiles and Kammesheidt et al. 2006. PubMed ID: 17003641). At this time, the clinical significance of this variant is uncertain due to the absence of conclusive functional and genetic evidence.